The following is an entry in ClinVar:

ClinVar aggregate classification (germline): Uncertain significance (1 of 4 stars; one submission).

Submission:

Ambry Genetics
Classification: Uncertain significance. Last evaluated: 2023-12-18. Review status: criteria provided, single submitter. Criteria: Ambry Variant Classification Scheme 2023. Collection method: clinical testing. Allele origin: germline.
Comment: The p.M230K variant (also known as c.689T>A), located in coding exon 1 of the PALLD gene, results from a T to A substitution at nucleotide position 689. The methionine at codon 230 is replaced by lysine, an amino acid with similar properties. This amino acid position is conserved. In addition, this alteration is predicted to be tolerated by in silico analysis. Since supporting evidence is limited at this time, the clinical significance of this alteration remains unclear.

NM_001166108.2(PALLD):c.689T>A (p.Met230Lys)

Gene: PALLD (palladin, cytoskeletal associated protein; plus strand). Cytogenetic location: 4q32.3.
Variant type: single nucleotide variant.
Coding change: c.689T>A on transcript NM_001166108.2 (MANE Select); coding-DNA position 689, T replaced by A.
Protein change: p.Met230Lys; replaces methionine 230 with lysine.
Molecular consequence: missense variant.
Genome position (GRCh38, 1-based): chr4:168,512,193, T>A. VCF-style: chr4-168512193-T-A. GRCh37 (hg19) VCF-style: chr4-169433344-T-A.
Other names: c.689T>A, p.Met230Lys (NM_016081.4); short protein forms M230K.
Identifiers: ClinVar variation 1756041 (VCV001756041.2), dbSNP rs773871153, ClinGen allele CA358727932.